The following continues an entry in ClinVar:

NM_030777.4(SLC2A10):c.394C>T (p.Arg132Trp)

Gene: SLC2A10. ClinVar aggregate classification (germline): Pathogenic/Likely pathogenic. Pathogenic (8); Likely pathogenic (6).

Submissions 9 to 18 of 18:

Ambry Genetics
Classification: Pathogenic for Familial thoracic aortic aneurysm and aortic dissection. Last evaluated: 2023-12-22. Review status: criteria provided, single submitter. Criteria: Ambry Variant Classification Scheme 2023. Collection method: clinical testing. Allele origin: germline.
Comment: The p.R132W pathogenic mutation (also known as c.394C>T), located in coding exon 2 of the SLC2A10 gene, results from a C to T substitution at nucleotide position 394. The arginine at codon 132 is replaced by tryptophan, an amino acid with dissimilar properties. This variant has been reported to co-occur in trans with other pathogenic variants in the SLC2A10 gene in probands with arterial tortuosity syndrome (Callewaert BL et al, Hum. Mutat. 2008 Jan; 29(1):150-8; Beyens A et al. Genet Med. 2018 Oct;20(10):1236-1245). This variant is considered to be rare based on population cohorts in the Genome Aggregation Database (gnomAD). This amino acid position is highly conserved in available vertebrate species. In addition, this alteration is predicted to be deleterious by in silico analysis. Based on the supporting evidence, this alteration is interpreted as a disease-causing mutation.

Women's Health and Genetics/Laboratory Corporation of America, LabCorp
Classification: Pathogenic for Arterial tortuosity syndrome. Last evaluated: 2023-06-02. Review status: criteria provided, single submitter. Criteria: LabCorp Variant Classification Summary - May 2015. Collection method: clinical testing. Allele origin: germline.
Comment: Variant summary: SLC2A10 c.394C>T (p.Arg132Trp) results in a non-conservative amino acid change in the encoded protein sequence. Five of five in-silico tools predict a damaging effect of the variant on protein function. The variant allele was found at a frequency of 3.2e-05 in 251318 control chromosomes (gnomAD). c.394C>T has been reported in the literature as a compound heterozygous genotype in multiple individuals affected with Arterial Tortuosity Syndrome and has been found to segregate with the disease phenotype in at least one family (e.g. Beyens_2018, Callewaert_2008). These data indicate that the variant is very likely to be associated with disease. To our knowledge, no experimental evidence demonstrating an impact on protein function has been reported. The following publications have been ascertained in the context of this evaluation (PMID: 29323665, 17935213). Six submitters have provided clinical-significance assessments for this variant to ClinVar after 2014 and classified the variant as pathogenic (n=1)/likely pathogenic (n=3) and VUS (n=2). Based on the evidence outlined above, the variant was classified as pathogenic.

Laboratory for Molecular Medicine, Mass General Brigham Personalized Medicine
Classification: Likely pathogenic for Arterial tortuosity syndrome. Last evaluated: 2022-11-03. Review status: criteria provided, single submitter. Criteria: ACMG Guidelines, 2015. Collection method: clinical testing. Allele origin: germline.
Comment: The p.Arg132Trp variant in SLC2A10 has been reported in the compound heterozygous state with another pathogenic variant in at least 5 individuals with features of arterial tortuosity syndrome and segregated with disease in one relative(Callewaert 2008 PMID:17935213, Hardin 2018 PMID:28726533, Weerakkody 2018 PMID:29543232, Beyens 2018 PMID: 29323665). It has also been reported in ClinVar (Variation ID:4590). This variant has been identified in 11/68012 of European alleles by gnomAD. Computational prediction tools and conservation analyses suggest that this variant may impact the protein, though this information is not predictive enough to determine pathogenicity. In summary, although additional studies are required to fully establish its clinical significance, this variant meets criteria to be classified as likely pathogenic for autosomal recessive arterial tortuosity syndrome. ACMG/AMP Criteria applied: PM2_Supporting, PP3, PM3_VS.

Clinical Genetics Laboratory, Skane University Hospital Lund
Classification: Likely pathogenic. Last evaluated: 2022-05-27. Review status: criteria provided, single submitter. Criteria: ACMG Guidelines, 2015. Collection method: clinical testing. Allele origin: germline. Affected: yes.

AiLife Diagnostics
Classification: Likely pathogenic. Last evaluated: 2022-02-17. Review status: criteria provided, single submitter. Criteria: ACMG Guidelines, 2015. Collection method: clinical testing. Allele origin: germline. Affected: yes. Observed: 1 variant allele.

Center for Genomics, Ann and Robert H. Lurie Children's Hospital of Chicago
Classification: Likely pathogenic for Arterial tortuosity syndrome. Last evaluated: 2021-03-30. Review status: criteria provided, single submitter. Criteria: ACMG Guidelines, 2015. Collection method: clinical testing. Allele origin: germline.
Comment: SLC2A10 NM_030777.3 exon 2 p.Arg132Trp (c.394C>T): This variant has been reported in the literature in the compound heterozygous state with another pathogenic variant, in at least 5 individuals with aterial tortuosity syndrome, segregating with disease in one affected family member (Callewaert 2008 PMID:17935213, Hardin 2018 PMID:28726533, Weerakkody 2018 PMID:29543232). This variant is present in 0.005% (7/129070) of European alleles in the Genome Aggregation Database. Please note, disease causing variants may be present in control databases at low frequencies, reflective of the general population, carrier status, and/or variable expressivity. This variant is present in ClinVar (Variation ID:4590). Evolutionary conservation and computational predictive tools suggest that this variant may impact the protein. In summary, data on this variant is highly suspicious for disease, but requires further evidence for pathogenicity. Therefore, this variant is classified as likely pathogenic.

OMIM
Classification: Pathogenic for ARTERIAL TORTUOSITY SYNDROME. Last evaluated: 2008-01-01. Review status: no assertion criteria provided. Collection method: literature only. Allele origin: germline. Not counted in ClinVar's aggregate classification.

Centre for Genomic and Experimental Medicine, University of Edinburgh
Classification: Likely pathogenic for Familial thoracic aortic aneurysm and aortic dissection. Review status: no assertion criteria provided. Collection method: research. Allele origin: unknown. Affected: yes. Not counted in ClinVar's aggregate classification.

GeneReviews
No classification provided. Condition: Arterial tortuosity syndrome. Review status: no classification provided. Collection method: literature only. Allele origin: germline. Affected: yes. Not counted in ClinVar's aggregate classification.

Fulgent Genetics
Classification: Uncertain significance for Arterial tortuosity syndrome. Last evaluated: 2018-10-31. Review status: flagged submission. Criteria: ACMG Guidelines, 2015. Collection method: clinical testing. Allele origin: unknown. Not counted in ClinVar's aggregate classification.
ClinVar note: Reason: Older and outlier claim with insufficient supporting evidence

Literature cited by the submitters: PubMed 17935213 (cited by 9 submitters); PubMed 28726533 (cited by 3 submitters); PubMed 29543232 (cited by 3 submitters); PubMed 29323665 (cited by 4 submitters); PubMed 30425910 (cited by Victorian Clinical Genetics Services, Murdoch Childrens Research Institute); NCBI Bookshelf NBK253404 (cited by GeneReviews).